The following is an entry in ClinVar:

NM_001267550.2(TTN):c.77417G>A (p.Ser25806Asn)

Genes: TTN (titin; minus strand), TTN-AS1 (TTN antisense RNA 1; plus strand). Cytogenetic location: 2q31.2.
Variant type: single nucleotide variant.
Coding change: c.77417G>A on transcript NM_001267550.2 (MANE Select); coding-DNA position 77417, G replaced by A.
Protein change: p.Ser25806Asn; replaces serine 25806 with asparagine.
Molecular consequence: missense variant.
Genome position (GRCh38, 1-based): chr2:178,568,715, C>T on the plus strand (G>A on the coding strand, the complement: TTN is on the minus strand). VCF-style: chr2-178568715-C-T. GRCh37 (hg19) VCF-style: chr2-179433442-C-T.
Other names: c.72494G>A, p.Ser24165Asn (NM_001256850.1); c.50222G>A, p.Ser16741Asn (NM_003319.4); c.69713G>A, p.Ser23238Asn (NM_133378.4); c.50597G>A, p.Ser16866Asn (NM_133432.3); c.50798G>A, p.Ser16933Asn (NM_133437.4); short protein forms S24165N, S25806N, S16741N, S16866N, S16933N, S23238N.
Identifiers: ClinVar variation 4985908 (VCV004985908.1).

ClinVar aggregate classification (germline): Uncertain significance (1 of 4 stars; one submission).

Conditions:
TTN-related disorder. Also called: TTN-related disorders; TTN-related condition; TTN-related disease.

gnomAD v4.1: 4 of 1,613,180 alleles (0.00025%); highest among the groups gnomAD compares: African/African-American, 0.0027%; no homozygotes.

Submission:

PreventionGenetics, part of Exact Sciences
Classification: Uncertain significance for TTN-related condition. Last evaluated: 2026-09-09. Review status: criteria provided, single submitter. Criteria: ACMG Guidelines, 2015. Collection method: clinical testing. Allele origin: germline.
Comment: The TTN c.77417G>A variant is predicted to result in the amino acid substitution p.Ser25806Asn. To our knowledge, this variant has not been reported in the literature or in a large population database (gnomAD), indicating this variant is rare. At this time, the clinical significance of this variant is uncertain due to the absence of conclusive functional and genetic evidence.